The following is an entry in ClinVar:

ClinVar aggregate classification (germline): Uncertain significance (1 of 4 stars; one submission).

Conditions:
Immunodeficiency 67. Also called: Immunodeficiency due to interleukin-1 receptor-associated kinase-4 deficiency. Identifiers: Orphanet 70592, MedGen C1843256, MONDO:0011888, OMIM 607676.

Allele frequency attached by ClinVar (database versions not stated): TOPMed 0.00001; gnomAD 0.00002 and 0.00005; ExAC 0.00004; gnomAD exomes 0.00004 and 0.00007; 1000 Genomes Project 30x 0.00031; 1000 Genomes Project 0.00040.

Submission:

Illumina Laboratory Services, Illumina
Classification: Uncertain significance for Immunodeficiency 67. Last evaluated: 2018-01-19. Review status: criteria provided, single submitter. Criteria: ICSL Variant Classification Criteria 13 December 2019. Collection method: clinical testing. Allele origin: germline.
Comment: This variant was observed as part of a predisposition screen in an ostensibly healthy population. A literature search was performed for the gene, cDNA change, and amino acid change (where applicable). Publications were found based on this search. However, the evidence from the literature, in combination with allele frequency data from public databases where available, was not sufficient to rule this variant in or out of causing disease. Therefore, this variant is classified as a variant of unknown significance.

Literature cited by the submitters: PubMed 17312103.

NM_016123.4(IRAK4):c.548G>A (p.Arg183Gln)

Gene: IRAK4 (interleukin 1 receptor associated kinase 4; plus strand). Cytogenetic location: 12q12.
Variant type: single nucleotide variant.
Coding change: c.548G>A on transcript NM_016123.4 (MANE Select); coding-DNA position 548, G replaced by A.
Protein change: p.Arg183Gln; replaces arginine 183 with glutamine.
Molecular consequence: missense variant.
Genome position (GRCh38, 1-based): chr12:43,772,969, G>A. VCF-style: chr12-43772969-G-A. GRCh37 (hg19) VCF-style: chr12-44166772-G-A.
Other names: c.548G>A, p.Arg183Gln (NM_001114182.3, NM_001351345.2); c.176G>A, p.Arg59Gln (NM_001145256.2, NM_001145257.2, NM_001145258.2 and 5 more transcripts); c.25G>A, p.Asp9Asn (NM_001351343.2, NM_001351344.2); short protein forms D9N, R183Q, R59Q.
Identifiers: ClinVar variation 881839 (VCV000881839.4), dbSNP rs186194251, ClinGen allele CA6522406.